The following is an entry in ClinVar:

ClinVar aggregate classification (germline): Likely benign (1 of 4 stars; one submission).

Submission:

Laboratory for Molecular Medicine, Mass General Brigham Personalized Medicine
Classification: Likely benign. Last evaluated: 2013-07-17. Review status: criteria provided, single submitter. Criteria: LMM Criteria. Collection method: clinical testing. Allele origin: germline. Observed: 1 variant allele.
Comment: Leu49Leu in exon 2 of TMEM43: This variant is not expected to have clinical sign ificance because it does not alter an amino acid residue and is not located with in the splice consensus sequence. Leu49Leu in exon 2 of TMEM43 (allele frequenc y = n/a)

NM_024334.3(TMEM43):c.147A>G (p.Leu49=)

Gene: TMEM43 (transmembrane protein 43; plus strand). Cytogenetic location: 3p25.1.
Variant type: single nucleotide variant.
Coding change: c.147A>G on transcript NM_024334.3 (MANE Select); coding-DNA position 147, A replaced by G.
Protein change: p.Leu49=; no amino-acid change (leucine 49 retained).
Molecular consequence: synonymous variant.
Genome position (GRCh38, 1-based): chr3:14,129,546, A>G. VCF-style: chr3-14129546-A-G. GRCh37 (hg19) VCF-style: chr3-14171046-A-G.
Identifiers: ClinVar variation 179104 (VCV000179104.5), dbSNP rs727504629, ClinGen allele CA024606.